The following is an entry in ClinVar:

NM_032536.4(NTNG2):c.858-13G>A

Gene: NTNG2 (netrin G2; plus strand). Cytogenetic location: 9q34.13.
Variant type: single nucleotide variant.
Coding change: c.858-13G>A on transcript NM_032536.4 (MANE Select); 13 bases into the intron before coding-DNA position 858, G replaced by A.
Molecular consequence: intron variant.
Genome position (GRCh38, 1-based): chr9:132,226,836, G>A. VCF-style: chr9-132226836-G-A. GRCh37 (hg19) VCF-style: chr9-135102223-G-A.
Identifiers: ClinVar variation 1012219 (VCV001012219.6), dbSNP rs1840794100, ClinGen allele CA1882100923.

ClinVar aggregate classification (germline): Conflicting classifications of pathogenicity. Review status: criteria provided, conflicting classifications (1 of 4 stars). 3 submissions from 3 submitters: Likely pathogenic (1); Uncertain significance (2). Last evaluated 2025-09-10.

Conditions:
Neurodevelopmental disorder with behavioral abnormalities, absent speech, and hypotonia. Identifiers: MedGen C5231471, MONDO:0032878, OMIM 618718.
Developmental and epileptic encephalopathy, 27 (DEE27). Also called: Epileptic encephalopathy, early infantile, 27; GRIN2B-Related Neurodevelopmental Disorder. Identifiers: Orphanet 3451, MedGen C4015316, MONDO:0014505, OMIM 616139.

Allele frequency attached by ClinVar (database versions not stated): gnomAD exomes below 0.00001.
gnomAD v4.1: 2 of 1,581,538 alleles (0.00013%); highest among the groups gnomAD compares: Non-Finnish European, 0.000086%; no homozygotes.

Submissions (3):

Genomic Medicine Center of Excellence, King Faisal Specialist Hospital and Research Centre
Classification: Uncertain significance for Developmental and epileptic encephalopathy, 27. Last evaluated: 2025-09-10. Review status: criteria provided, single submitter. Criteria: ACMG Guidelines, 2015. Collection method: clinical testing. Allele origin: germline.

Undiagnosed Diseases Network, NIH
Classification: Likely pathogenic for Neurodevelopmental disorder with behavioral abnormalities, absent speech, and hypotonia. Last evaluated: 2021-01-12. Review status: criteria provided, single submitter. Criteria: ACMG Guidelines, 2015. Collection method: clinical testing. Allele origin: paternal. Inheritance: Autosomal recessive inheritance. Affected: yes. Observed: 1 variant allele, 1 compound heterozygote. Study: Undiagnosed Diseases Network (NIH), UDN.

Baylor Genetics
Classification: Uncertain significance for Neurodevelopmental disorder with behavioral abnormalities, absent speech, and hypotonia. Last evaluated: 2020-11-13. Review status: criteria provided, single submitter. Criteria: ACMG Guidelines, 2015. Collection method: clinical testing. Allele origin: unknown. Affected: yes.
Comment: This variant was determined to be of uncertain significance according to ACMG Guidelines, 2015 [PMID:25741868].